The following is an entry in ClinVar:

ClinVar aggregate classification (germline): Uncertain significance (1 of 4 stars; one submission).

Conditions:
Pure or complex autosomal recessive spastic paraplegia. Identifiers: Orphanet 320346, MedGen C5679887, MONDO:0017915.

Submission:

Labcorp Genetics (formerly Invitae), Labcorp
Classification: Uncertain significance for Pure or complex autosomal recessive spastic paraplegia. Last evaluated: 2025-02-13. Review status: criteria provided, single submitter. Criteria: Invitae Variant Classification Sherloc (09022015). Collection method: clinical testing. Allele origin: germline.
Comment: This sequence change replaces proline, which is neutral and non-polar, with serine, which is neutral and polar, at codon 870 of the ZFR protein (p.Pro870Ser). This variant is not present in population databases (gnomAD no frequency). This variant has not been reported in the literature in individuals affected with ZFR-related conditions. Experimental studies and prediction algorithms are not available or were not evaluated, and the functional significance of this variant is currently unknown. In summary, the available evidence is currently insufficient to determine the role of this variant in disease. Therefore, it has been classified as a Variant of Uncertain Significance.

NM_016107.5(ZFR):c.2608C>T (p.Pro870Ser)

Gene: ZFR (zinc finger RNA binding protein; minus strand). Cytogenetic location: 5p13.3.
Variant type: single nucleotide variant.
Coding change: c.2608C>T on transcript NM_016107.5 (MANE Select); coding-DNA position 2608, C replaced by T.
Protein change: p.Pro870Ser; replaces proline 870 with serine.
Molecular consequence: missense variant. On other transcripts: non-coding transcript variant (1).
Genome position (GRCh38, 1-based): chr5:32,385,541, G>A on the plus strand (C>T on the coding strand, the complement: ZFR is on the minus strand). VCF-style: chr5-32385541-G-A. GRCh37 (hg19) VCF-style: chr5-32385647-G-A.
Other names: short protein forms P870S.
Identifiers: ClinVar variation 4712258 (VCV004712258.1).